The following is an entry in ClinVar:

NM_001166108.2(PALLD):c.1965-12743C>A

Gene: PALLD (palladin, cytoskeletal associated protein; plus strand). Cytogenetic location: 4q32.3.
Variant type: single nucleotide variant.
Coding change: c.1965-12743C>A on transcript NM_001166108.2 (MANE Select); 12743 bases into the intron before coding-DNA position 1965, C replaced by A.
Molecular consequence: intron variant. On other transcripts: missense variant (1).
Genome position (GRCh38, 1-based): chr4:168,878,179, C>A. VCF-style: chr4-168878179-C-A. GRCh37 (hg19) VCF-style: chr4-169799330-C-A.
Other names: c.288C>A, p.Phe96Leu (NM_001166110.2); c.1965-12743C>A (NM_016081.4); c.819-12743C>A (NM_001166109.2); c.-157-12743C>A (NM_001367570.1, NM_001367568.1, NM_001367567.1 and 1 more transcripts); short protein forms F96L.
Identifiers: ClinVar variation 3927546 (VCV003927546.1).

ClinVar aggregate classification (germline): Uncertain significance (1 of 4 stars; one submission).

Submission:

Ambry Genetics
Classification: Uncertain significance. Last evaluated: 2025-05-05. Review status: criteria provided, single submitter. Criteria: Ambry Variant Classification Scheme 2023. Collection method: clinical testing. Allele origin: germline.
Comment: The p.F96L variant (also known as c.288C>A), located in coding exon 1 of the PALLD gene, results from a C to A substitution at nucleotide position 288. The phenylalanine at codon 96 is replaced by leucine, an amino acid with highly similar properties. This amino acid position is conserved. In addition, this alteration is predicted to be tolerated by in silico analysis. Based on the available evidence, the clinical significance of this variant remains unclear.